The following is an entry in ClinVar:

ClinVar aggregate classification (germline): Uncertain significance. Review status: criteria provided, multiple submitters, no conflicts (2 of 4 stars). 2 submissions from 2 submitters: Uncertain significance (2). Last evaluated 2023-05-28.

Conditions:
Cardiovascular phenotype. Identifiers: MedGen CN230736.

Allele frequency attached by ClinVar (database versions not stated): gnomAD 0.00001.
gnomAD v4.1: 55 of 1,531,212 alleles (0.0036%); highest among the groups gnomAD compares: Middle Eastern, 0.017%; no homozygotes.

Submissions (2):

Labcorp Genetics (formerly Invitae), Labcorp
Classification: Uncertain significance. Last evaluated: 2023-05-28. Review status: criteria provided, single submitter. Criteria: Invitae Variant Classification Sherloc (09022015). Collection method: clinical testing. Allele origin: germline.
Comment: Advanced modeling of protein sequence and biophysical properties (such as structural, functional, and spatial information, amino acid conservation, physicochemical variation, residue mobility, and thermodynamic stability) performed at Invitae indicates that this missense variant is not expected to disrupt LOX protein function. ClinVar contains an entry for this variant (Variation ID: 1797785). This variant has not been reported in the literature in individuals affected with LOX-related conditions. This sequence change replaces glutamic acid, which is acidic and polar, with glutamine, which is neutral and polar, at codon 34 of the LOX protein (p.Glu34Gln). This variant is present in population databases (rs777431502, gnomAD 0.006%). In summary, the available evidence is currently insufficient to determine the role of this variant in disease. Therefore, it has been classified as a Variant of Uncertain Significance.

Ambry Genetics
Classification: Uncertain significance for Cardiovascular phenotype. Last evaluated: 2021-12-16. Review status: criteria provided, single submitter. Criteria: Ambry Variant Classification Scheme 2023. Collection method: clinical testing. Allele origin: germline.
Comment: The p.E34Q variant (also known as c.100G>C), located in coding exon 1 of the LOX gene, results from a G to C substitution at nucleotide position 100. The glutamic acid at codon 34 is replaced by glutamine, an amino acid with highly similar properties. This amino acid position is conserved. In addition, this alteration is predicted to be tolerated by in silico analysis. Since supporting evidence is limited at this time, the clinical significance of this alteration remains unclear.

NM_002317.7(LOX):c.100G>C (p.Glu34Gln)

Genes: LOX (lysyl oxidase; minus strand), SRFBP1 (serum response factor binding protein 1; plus strand). Cytogenetic location: 5q23.1.
Variant type: single nucleotide variant.
Coding change: c.100G>C on transcript NM_002317.7 (MANE Select); coding-DNA position 100, G replaced by C.
Protein change: p.Glu34Gln; replaces glutamic acid 34 with glutamine.
Molecular consequence: missense variant.
Genome position (GRCh38, 1-based): chr5:122,077,886, C>G on the plus strand (G>C on the coding strand, the complement: LOX is on the minus strand). VCF-style: chr5-122077886-C-G. GRCh37 (hg19) VCF-style: chr5-121413581-C-G.
Other names: short protein forms E34Q.
Identifiers: ClinVar variation 1797785 (VCV001797785.5), dbSNP rs777431502, ClinGen allele CA3384122.
Genomic context (GRCh38, chr5:122,077,886, plus strand): 5'-CCTGCCCGTTGTTCTCCCATTGGATCTGCTGGCGCCAGGCGCCCGGAGCCGCCGGCGGCT[C>G]GCGCGGGGGCTGCTGTTGGCCGGCGGCGGGAGGGGCGCAGTGCACTAGCGCGCAGAGCTG-3'
Protein context (NP_002308.2, residues 24-44): PAAGQQQPPR[Glu34Gln]PPAAPGAWRQ